The following is an entry in ClinVar:

ClinVar aggregate classification (germline): Uncertain significance. Review status: criteria provided, multiple submitters, no conflicts (2 of 4 stars). 2 submissions from 2 submitters: Uncertain significance (2). Last evaluated 2025-03-13.

Conditions:
Hereditary cancer-predisposing syndrome. Also called: Neoplastic Syndromes, Hereditary; Tumor predisposition; Hereditary neoplastic syndrome; Hereditary Cancer Syndrome. Identifiers: Orphanet 140162, MedGen C0027672, MeSH D009386, MONDO:0015356.
Familial cancer of breast. Also called: BREAST CANCER, FAMILIAL; Hereditary breast cancer; hereditary breast carcinoma. Identifiers: Orphanet 227535, MedGen C0346153, MONDO:0016419, OMIM 114480. Disease mechanism: loss of function.

Submissions (2):

Ambry Genetics
Classification: Uncertain significance for Hereditary cancer-predisposing syndrome. Last evaluated: 2025-03-13. Review status: criteria provided, single submitter. Criteria: Ambry Variant Classification Scheme 2023. Collection method: clinical testing. Allele origin: germline.
Comment: The p.S699F variant (also known as c.2096C>T), located in coding exon 5 of the PALB2 gene, results from a C to T substitution at nucleotide position 2096. The serine at codon 699 is replaced by phenylalanine, an amino acid with highly dissimilar properties. This amino acid position is well conserved in available vertebrate species. In addition, this alteration is predicted to be tolerated by in silico analysis. Based on the available evidence, the clinical significance of this variant remains unclear.

Labcorp Genetics (formerly Invitae), Labcorp
Classification: Uncertain significance for Familial cancer of breast. Last evaluated: 2018-03-20. Review status: criteria provided, single submitter. Criteria: Invitae Variant Classification Sherloc (09022015). Collection method: clinical testing. Allele origin: germline.
Comment: This sequence change replaces serine with phenylalanine at codon 699 of the PALB2 protein (p.Ser699Phe). The serine residue is highly conserved and there is a large physicochemical difference between serine and phenylalanine. This variant is not present in population databases (ExAC no frequency). This variant has not been reported in the literature in individuals with PALB2-related disease. Algorithms developed to predict the effect of missense changes on protein structure and function do not agree on the potential impact of this missense change (SIFT: "Deleterious"; PolyPhen-2: "Probably Damaging"; Align-GVGD: "Class C15"). In summary, the available evidence is currently insufficient to determine the role of this variant in disease. Therefore, it has been classified as a Variant of Uncertain Significance.

NM_024675.4(PALB2):c.2096C>T (p.Ser699Phe)

Gene: PALB2 (partner and localizer of BRCA2; minus strand). Cytogenetic location: 16p12.2.
Variant type: single nucleotide variant.
Coding change: c.2096C>T on transcript NM_024675.4 (MANE Select); coding-DNA position 2096, C replaced by T.
Protein change: p.Ser699Phe; replaces serine 699 with phenylalanine.
Molecular consequence: missense variant.
Genome position (GRCh38, 1-based): chr16:23,630,058, G>A on the plus strand (C>T on the coding strand, the complement: PALB2 is on the minus strand). VCF-style: chr16-23630058-G-A. GRCh37 (hg19) VCF-style: chr16-23641379-G-A.
Other names: short protein forms S699F.
Identifiers: ClinVar variation 566302 (VCV000566302.3), dbSNP rs780397699, ClinGen allele CA395125802.